The following is an entry in ClinVar:

NM_001369268.1(ACAN):c.1246G>A (p.Glu416Lys)

Gene: ACAN (aggrecan; plus strand). Cytogenetic location: 15q26.1.
Variant type: single nucleotide variant.
Coding change: c.1246G>A on transcript NM_001369268.1 (MANE Select); coding-DNA position 1246, G replaced by A.
Protein change: p.Glu416Lys; replaces glutamic acid 416 with lysine.
Molecular consequence: missense variant.
Genome position (GRCh38, 1-based): chr15:88,845,699, G>A. VCF-style: chr15-88845699-G-A. GRCh37 (hg19) VCF-style: chr15-89388930-G-A.
Other names: c.1246G>A (NM_013227.3); c.1246G>A, p.Glu416Lys (NM_001135.4, NM_013227.4); short protein forms E416K.
Identifiers: ClinVar variation 288332 (VCV000288332.15), dbSNP rs370296999, ClinGen allele CA7719506.

ClinVar aggregate classification (germline): Uncertain significance. Review status: criteria provided, multiple submitters, no conflicts (2 of 4 stars). 5 submissions from 5 submitters: Uncertain significance (5). Last evaluated 2025-12-03.

Conditions:
Inborn genetic diseases. Identifiers: MedGen C0950123, MeSH D030342.

Allele frequency attached by ClinVar (database versions not stated): ESP Exome Variant Server 0.00008; gnomAD 0.00001 and 0.00002; gnomAD exomes 0.00001 and 0.00002; TOPMed 0.00002; ExAC 0.00003.

Submissions (5):

Labcorp Genetics (formerly Invitae), Labcorp
Classification: Uncertain significance. Last evaluated: 2025-12-03. Review status: criteria provided, single submitter. Criteria: Invitae Variant Classification Sherloc (09022015). Collection method: clinical testing. Allele origin: germline.
Comment: This sequence change replaces glutamic acid, which is acidic and polar, with lysine, which is basic and polar, at codon 416 of the ACAN protein (p.Glu416Lys). This variant is present in population databases (rs370296999, gnomAD 0.004%). This missense change has been observed in individual(s) with clinical features of ACAN-related conditions (PMID: 36068917). ClinVar contains an entry for this variant (Variation ID: 288332). Invitae Evidence Modeling of protein sequence and biophysical properties (such as structural, functional, and spatial information, amino acid conservation, physicochemical variation, residue mobility, and thermodynamic stability) indicates that this missense variant is not expected to disrupt ACAN protein function with a negative predictive value of 80%. In summary, the available evidence is currently insufficient to determine the role of this variant in disease. Therefore, it has been classified as a Variant of Uncertain Significance.

Women's Health and Genetics/Laboratory Corporation of America, LabCorp
Classification: Uncertain significance. Last evaluated: 2024-10-29. Review status: criteria provided, single submitter. Criteria: LabCorp Variant Classification Summary - May 2015. Collection method: clinical testing. Allele origin: germline.
Comment: Variant summary: ACAN c.1246G>A (p.Glu416Lys) results in a conservative amino acid change in the encoded protein sequence. Five of five in-silico tools predict a benign effect of the variant on protein function. The variant allele was found at a frequency of 2e-05 in 248286 control chromosomes (gnomAD). The available data on variant occurrences in the general population are insufficient to allow any conclusion about variant significance. c.1246G>A has been reported in the literature in one individual affected with intrauterine growth restriction and bilateral diaphragmatic hernia (Cornthwaite__2022). The report does not provide unequivocal conclusions about association of the variant with ACAN-Related Disorders. To our knowledge, no experimental evidence demonstrating an impact on protein function has been reported. The following publication have been ascertained in the context of this evaluation (PMID: 36068917). ClinVar contains an entry for this variant (Variation ID: 288332). Based on the evidence outlined above, the variant was classified as uncertain significance.

Blueprint Genetics
Classification: Uncertain significance. Last evaluated: 2024-06-20. Review status: criteria provided, single submitter. Criteria: ACMG Guidelines, 2015. Collection method: clinical testing. Allele origin: germline.

Ambry Genetics
Classification: Uncertain significance for Inborn genetic diseases. Last evaluated: 2024-01-30. Review status: criteria provided, single submitter. Criteria: Ambry Variant Classification Scheme 2023. Collection method: clinical testing. Allele origin: germline.

Eurofins Ntd Llc (ga)
Classification: Uncertain significance. Last evaluated: 2016-06-30. Review status: criteria provided, single submitter. Criteria: EGL Classification Definitions 2015. Collection method: clinical testing. Allele origin: germline. Observed: 1 variant allele, 1 heterozygote.

Literature cited by the submitters: PubMed 36068917 (cited by Labcorp Genetics (formerly Invitae), Labcorp and Women's Health and Genetics/Laboratory Corporation of America, LabCorp).